The following is an entry in ClinVar:

ClinVar aggregate classification (germline): Uncertain significance (1 of 4 stars; one submission).

Conditions:
Usher syndrome type 3B. Also called: USHER SYNDROME, TYPE IIIB. Identifiers: MedGen C3281066, MONDO:0013788, OMIM 614504.

Submission:

Labcorp Genetics (formerly Invitae), Labcorp
Classification: Uncertain significance for Usher syndrome type 3B. Last evaluated: 2022-10-27. Review status: criteria provided, single submitter. Criteria: Invitae Variant Classification Sherloc (09022015). Collection method: clinical testing. Allele origin: germline.
Comment: This sequence change replaces aspartic acid, which is acidic and polar, with tyrosine, which is neutral and polar, at codon 213 of the HARS protein (p.Asp213Tyr). This variant is not present in population databases (gnomAD no frequency). This variant has not been reported in the literature in individuals affected with HARS-related conditions. Advanced modeling of protein sequence and biophysical properties (such as structural, functional, and spatial information, amino acid conservation, physicochemical variation, residue mobility, and thermodynamic stability) performed at Invitae indicates that this missense variant is not expected to disrupt HARS protein function. In summary, the available evidence is currently insufficient to determine the role of this variant in disease. Therefore, it has been classified as a Variant of Uncertain Significance.

NM_002109.6(HARS1):c.637G>T (p.Asp213Tyr)

Gene: HARS1 (histidyl-tRNA synthetase 1; minus strand). Cytogenetic location: 5q31.3.
Variant type: single nucleotide variant.
Coding change: c.637G>T on transcript NM_002109.6 (MANE Select); coding-DNA position 637, G replaced by T.
Protein change: p.Asp213Tyr; replaces aspartic acid 213 with tyrosine.
Molecular consequence: missense variant.
Genome position (GRCh38, 1-based): chr5:140,677,747, C>A on the plus strand (G>T on the coding strand, the complement: HARS1 is on the minus strand). VCF-style: chr5-140677747-C-A. GRCh37 (hg19) VCF-style: chr5-140057332-C-A.
Other names: c.517G>T, p.Asp173Tyr (NM_001258040.3); c.577G>T, p.Asp193Tyr (NM_001258041.3); c.457G>T, p.Asp153Tyr (NM_001258042.3); c.415G>T, p.Asp139Tyr (NM_001289092.2); c.295G>T, p.Asp99Tyr (NM_001289093.2); c.550G>T, p.Asp184Tyr (NM_001289094.2); short protein forms D99Y, D213Y, D153Y, D173Y, D139Y, D184Y, D193Y.
Identifiers: ClinVar variation 2810152 (VCV002810152.3), dbSNP rs759634200, ClinGen allele CA361255178.
Genomic context (GRCh38, chr5:140,677,747, plus strand): 5'-TACGGAACTTGCTGTCAGAAACACCACAGATAGCAAACATCCCATCTAGAATGCGTCGAT[C>A]GTTTACCTGCAAGGAACCAATGCATAGTGAGGGGGGAATCTCTTTTCTTACATGACCTGC-3'
Protein context (NP_002100.2, residues 203-223): QIGDFLVKVN[Asp213Tyr]RRILDGMFAI